The following is an entry in ClinVar:

ClinVar aggregate classification (germline): Likely benign. Review status: criteria provided, multiple submitters, no conflicts (2 of 4 stars). 2 submissions from 2 submitters: Likely benign (2). Last evaluated 2026-02-01.

Conditions:
Lafora disease. Also called: Epilepsy progressive myoclonic 2; Progressive Myoclonus Epilepsy, Lafora Type. Identifiers: Orphanet 501, MedGen C0751783, MONDO:0009697.

gnomAD v4.1: 15 of 1,614,034 alleles (0.00093%); highest among the groups gnomAD compares: Admixed American, 0.0067%; no homozygotes.

Submissions (2):

CeGaT Center for Human Genetics Tuebingen
Classification: Likely benign. Last evaluated: 2026-02-01. Review status: criteria provided, single submitter. Criteria: CeGaT Center For Human Genetics Tuebingen Variant Classification Criteria Version 2. Collection method: clinical testing. Allele origin: germline. Affected: yes. Observed: 1 variant allele.
Comment: NHLRC1: BP4, BP7

Labcorp Genetics (formerly Invitae), Labcorp
Classification: Likely benign for Lafora disease. Last evaluated: 2025-09-10. Review status: criteria provided, single submitter. Criteria: Invitae Variant Classification Sherloc (09022015). Collection method: clinical testing. Allele origin: germline.

NM_198586.3(NHLRC1):c.969C>A (p.Ser323=)

Gene: NHLRC1 (NHL repeat containing E3 ubiquitin protein ligase 1; minus strand). Cytogenetic location: 6p22.3.
Variant type: single nucleotide variant.
Coding change: c.969C>A on transcript NM_198586.3 (MANE Select); coding-DNA position 969, C replaced by A.
Protein change: p.Ser323=; no amino-acid change (serine 323 retained).
Molecular consequence: synonymous variant.
Genome position (GRCh38, 1-based): chr6:18,121,638, G>T on the plus strand (C>A on the coding strand, the complement: NHLRC1 is on the minus strand). VCF-style: chr6-18121638-G-T. GRCh37 (hg19) VCF-style: chr6-18121869-G-T.
Identifiers: ClinVar variation 1907349 (VCV001907349.9), dbSNP rs142941035, ClinGen allele CA134959785.